The following is an entry in ClinVar:

ClinVar aggregate classification (germline): Benign/Likely benign. Review status: criteria provided, multiple submitters, no conflicts (2 of 4 stars). 3 submissions from 3 submitters: Benign (2); Likely benign (1). Last evaluated 2025-12-24.

Conditions:
Tuberous sclerosis 2 (TSC2). Identifiers: Orphanet 805, MedGen C1860707, MONDO:0013199, OMIM 613254.
Hereditary cancer-predisposing syndrome. Also called: Neoplastic Syndromes, Hereditary; Hereditary Cancer Syndrome; Hereditary neoplastic syndrome; Tumor predisposition. Identifiers: Orphanet 140162, MedGen C0027672, MeSH D009386, MONDO:0015356.

Allele frequency attached by ClinVar (database versions not stated): ExAC 0.00001; gnomAD 0.00001; TOPMed 0.00001.
gnomAD v4.1: 2 of 1,614,094 alleles (0.00012%); highest among the groups gnomAD compares: East Asian, 0.0022%; no homozygotes.

Submissions (3):

Labcorp Genetics (formerly Invitae), Labcorp
Classification: Benign for Tuberous sclerosis 2. Last evaluated: 2025-12-24. Review status: criteria provided, single submitter. Criteria: Invitae Variant Classification Sherloc (09022015). Collection method: clinical testing. Allele origin: germline.

Myriad Genetics, Inc.
Classification: Benign for Tuberous sclerosis 2. Last evaluated: 2025-05-07. Review status: criteria provided, single submitter. Criteria: Myriad Autosomal Dominant, Autosomal Recessive and X-Linked Classification Criteria (2023). Collection method: clinical testing. Allele origin: unknown.
Comment: This variant is considered benign. This variant is a silent/synonymous amino acid change and it is not expected to impact splicing.

Ambry Genetics
Classification: Likely benign for Hereditary cancer-predisposing syndrome. Last evaluated: 2018-08-22. Review status: criteria provided, single submitter. Criteria: Ambry Variant Classification Scheme 2023. Collection method: clinical testing. Allele origin: germline.

NM_000548.5(TSC2):c.516G>A (p.Leu172=)

Gene: TSC2 (TSC complex subunit 2; plus strand). Cytogenetic location: 16p13.3.
Variant type: single nucleotide variant.
Coding change: c.516G>A on transcript NM_000548.5 (MANE Select); coding-DNA position 516, G replaced by A.
Protein change: p.Leu172=; no amino-acid change (leucine 172 retained).
Molecular consequence: synonymous variant. On other transcripts: intron variant (1).
Genome position (GRCh38, 1-based): chr16:2,055,436, G>A. VCF-style: chr16-2055436-G-A. GRCh37 (hg19) VCF-style: chr16-2105437-G-A.
Other names: c.516G>A, p.Leu172= (NM_001363528.2, NM_001370404.1, NM_001370405.1 and 3 more transcripts); c.-1-760G>A (NM_001318831.2); c.405G>A, p.Leu135= (NM_001318827.2); c.369G>A, p.Leu123= (NM_001318829.2); c.549G>A, p.Leu183= (NM_001318832.2).
Identifiers: ClinVar variation 825501 (VCV000825501.10), dbSNP rs772641112, ClinGen allele CA054312.